The following is an entry in ClinVar:

ClinVar aggregate classification (germline): Benign. Review status: criteria provided, multiple submitters, no conflicts (2 of 4 stars). 5 submissions from 5 submitters: Benign (4). 1 of the submissions does not count toward it. Last evaluated 2026-09-01.

Conditions:
DMXL2-related disorder. Also called: DMXL2-related condition.

Allele frequency attached by ClinVar (database versions not stated): ExAC 0.00847; gnomAD 0.00896 and 0.00932; ESP Exome Variant Server 0.00940; gnomAD exomes 0.01097 and 0.00836; 1000 Genomes Project 30x 0.00203; 1000 Genomes Project 0.00220; TOPMed 0.00683.
gnomAD v4.1: 17,186 of 1,611,848 alleles (1.1%); highest among the groups gnomAD compares: Non-Finnish European, 1.3%; 107 homozygotes.

Submissions (5):

CeGaT Center for Human Genetics Tuebingen
Classification: Benign. Last evaluated: 2026-09-01. Review status: criteria provided, single submitter. Criteria: CeGaT Center For Human Genetics Tuebingen Variant Classification Criteria Version 2. Collection method: clinical testing. Allele origin: germline. Affected: yes. Observed: 71 variant alleles.
Comment: DMXL2: BP4, BS1, BS2

Labcorp Genetics (formerly Invitae), Labcorp
Classification: Benign. Last evaluated: 2026-02-03. Review status: criteria provided, single submitter. Criteria: Invitae Variant Classification Sherloc (09022015). Collection method: clinical testing. Allele origin: germline.

Mayo Clinic Laboratories, Mayo Clinic
Classification: Benign. Last evaluated: 2024-03-06. Review status: criteria provided, single submitter. Criteria: ACMG Guidelines, 2015. Collection method: clinical testing. Allele origin: germline. Observed: 2 variant alleles.
Comment: BS1, BS2, BP4

Breakthrough Genomics
Classification: Benign. Review status: criteria provided, single submitter. Criteria: ACMG Guidelines, 2015. Collection method: not provided. Allele origin: germline. Inheritance: Autosomal recessive inheritance. Affected: yes.

PreventionGenetics, part of Exact Sciences
Classification: Benign for DMXL2-related condition. Last evaluated: 2019-06-15. Review status: no assertion criteria provided. Collection method: clinical testing. Allele origin: germline. Not counted in ClinVar's aggregate classification.
Comment: This variant is classified as benign based on ACMG/AMP sequence variant interpretation guidelines (Richards et al. 2015 PMID: 25741868, with internal and published modifications).

Literature cited by the submitters: PubMed 28440294 (cited by Mayo Clinic Laboratories, Mayo Clinic); PubMed 30675382 (cited by Mayo Clinic Laboratories, Mayo Clinic).

NM_001378457.1(DMXL2):c.5976T>A (p.Asp1992Glu)

Gene: DMXL2 (Dmx like 2; minus strand). Cytogenetic location: 15q21.2.
Variant type: single nucleotide variant.
Coding change: c.5976T>A on transcript NM_001378457.1 (MANE Select); coding-DNA position 5976, T replaced by A.
Protein change: p.Asp1992Glu; replaces aspartic acid 1992 with glutamic acid.
Molecular consequence: missense variant. On other transcripts: non-coding transcript variant (2).
Genome position (GRCh38, 1-based): chr15:51,481,130, A>T on the plus strand (T>A on the coding strand, the complement: DMXL2 is on the minus strand). VCF-style: chr15-51481130-A-T. GRCh37 (hg19) VCF-style: chr15-51773327-A-T.
Other names: p.Asp1992Glu; c.5976T>A, p.Asp1992Glu (NM_001174116.3, NM_001378458.1, NM_001378459.1 and 4 more transcripts); c.4068T>A, p.Asp1356Glu (NM_001174117.3); c.3957T>A, p.Asp1319Glu (NM_001378460.1); c.5736T>A, p.Asp1912Glu (NM_001378464.1); c.5976T>A (NM_001174116.2); short protein forms D1356E, D1992E, D1319E, D1912E.
Identifiers: ClinVar variation 717399 (VCV000717399.41), dbSNP rs148062616, ClinGen allele CA7561706.
Genomic context (GRCh38, chr15:51,481,130, plus strand): 5'-CTGATCTGATTGTTTATCTTTTTCCCTGGCATCTGTACTTTTCATCACTAAACCAACAGC[A>T]TCGTCTTCCTCTTCATCTAAGGCACTGTCGTGATCTTCACCCCAATCAAGATTAAGAGGT-3'
Protein context (NP_001365386.1, residues 1982-2002): HDSALDEEED[Asp1992Glu]AVGLVMKSTD